The following is an entry in ClinVar:

NM_001009944.3(PKD1):c.1575G>A (p.Pro525=)

Gene: PKD1 (polycystin 1, transient receptor potential channel interacting; minus strand). Cytogenetic location: 16p13.3.
Variant type: single nucleotide variant.
Coding change: c.1575G>A on transcript NM_001009944.3 (MANE Select); coding-DNA position 1575, G replaced by A.
Protein change: p.Pro525=; no amino-acid change (proline 525 retained).
Molecular consequence: synonymous variant.
Genome position (GRCh38, 1-based): chr16:2,116,864, C>T on the plus strand (G>A on the coding strand, the complement: PKD1 is on the minus strand). VCF-style: chr16-2116864-C-T. GRCh37 (hg19) VCF-style: chr16-2166865-C-T.
Other names: c.1575G>A, p.Pro525= (NM_000296.4).
Identifiers: ClinVar variation 3045136 (VCV003045136.2), dbSNP rs893251835, ClinGen allele CA276783266.
Genomic context (GRCh38, chr16:2,116,864, plus strand): 5'-CTCAGGCCCCTGCCTGGCCCCCCGCACACCTCCGGGCTGCAGCTCGCAGACGTAGCTGTG[C>T]GGCGCTGAGCACAGGTCGGTGTTACACCACCCGGTGGGCCCGAGCCGGACGCAGTGCTCG-3'
Protein context (NP_001009944.3, residues 515-535): GWCNTDLCSA[Pro525=]HSYVCELQPG

ClinVar aggregate classification (germline): Likely benign (0 of 4 stars; one submission).

Conditions:
PKD1-related disorder. Also called: PKD1-related condition.

Allele frequency attached by ClinVar (database versions not stated): gnomAD 0.00001; TOPMed 0.00002.
gnomAD v4.1: 13 of 1,529,556 alleles (0.00085%); highest among the groups gnomAD compares: South Asian, 0.0047%; no homozygotes.

Submission:

PreventionGenetics, part of Exact Sciences
Classification: Likely benign for PKD1-related condition. Last evaluated: 2023-06-06. Review status: no assertion criteria provided. Collection method: clinical testing. Allele origin: germline.
Comment: This variant is classified as likely benign based on ACMG/AMP sequence variant interpretation guidelines (Richards et al. 2015 PMID: 25741868, with internal and published modifications).